The following is an entry in ClinVar:

ClinVar aggregate classification (germline): Conflicting classifications of pathogenicity. Review status: criteria provided, conflicting classifications (1 of 4 stars). 3 submissions from 3 submitters: Uncertain significance (2); Likely benign (1). Last evaluated 2024-12-16.

Conditions:
Shprintzen-Goldberg syndrome (SGS). Also called: SHPRINTZEN-GOLDBERG CRANIOSYNOSTOSIS SYNDROME; CRANIOSYNOSTOSIS WITH ARACHNODACTYLY AND ABDOMINAL HERNIAS; Marfanoid disorder with craniosynostosis type 1; Marfanoid craniosynostosis syndrome; Shprintzen-Goldberg marfanoid syndrome. Identifiers: Orphanet 2462, MedGen C1321551, MONDO:0008426, OMIM 182212.
Familial thoracic aortic aneurysm and aortic dissection (TAAD). Also called: Thoracic aortic aneurysms and dissections. Identifiers: Orphanet 91387, MedGen C4707243, MONDO:0019625.

Allele frequency attached by ClinVar (database versions not stated): gnomAD 0.00001; gnomAD exomes 0.00001 and below 0.00001; TOPMed below 0.00001.
gnomAD v4.1: 12 of 1,612,198 alleles (0.00074%); highest among the groups gnomAD compares: Admixed American, 0.0017%; no homozygotes.

Submissions (3):

Labcorp Genetics (formerly Invitae), Labcorp
Classification: Likely benign for Shprintzen-Goldberg syndrome. Last evaluated: 2024-12-16. Review status: criteria provided, single submitter. Criteria: Invitae Variant Classification Sherloc (09022015). Collection method: clinical testing. Allele origin: germline.

Ambry Genetics
Classification: Uncertain significance for Familial thoracic aortic aneurysm and aortic dissection. Last evaluated: 2023-10-16. Review status: criteria provided, single submitter. Criteria: Ambry Variant Classification Scheme 2023. Collection method: clinical testing. Allele origin: germline.
Comment: The p.A447T variant (also known as c.1339G>A), located in coding exon 4 of the SKI gene, results from a G to A substitution at nucleotide position 1339. The alanine at codon 447 is replaced by threonine, an amino acid with similar properties. This amino acid position is conserved. In addition, this alteration is predicted to be tolerated by in silico analysis. Since supporting evidence is limited at this time, the clinical significance of this alteration remains unclear.

GeneDx
Classification: Uncertain significance. Last evaluated: 2019-10-09. Review status: criteria provided, single submitter. Criteria: GeneDx Variant Classification Process June 2021. Collection method: clinical testing. Allele origin: germline. Affected: yes.
Comment: Has not been previously published as pathogenic or benign to our knowledge; Not observed at a significant frequency in large population cohorts (Lek et al., 2016); In silico analysis, which includes protein predictors and evolutionary conservation, supports that this variant does not alter protein structure/function

NM_003036.4(SKI):c.1339G>A (p.Ala447Thr)

Gene: SKI (SKI proto-oncogene; plus strand). Cytogenetic location: 1p36.32.
Variant type: single nucleotide variant.
Coding change: c.1339G>A on transcript NM_003036.4 (MANE Select); coding-DNA position 1339, G replaced by A.
Protein change: p.Ala447Thr; replaces alanine 447 with threonine.
Molecular consequence: missense variant.
Genome position (GRCh38, 1-based): chr1:2,303,967, G>A. VCF-style: chr1-2303967-G-A. GRCh37 (hg19) VCF-style: chr1-2235406-G-A.
Other names: short protein forms A447T.
Identifiers: ClinVar variation 1309209 (VCV001309209.7), dbSNP rs1325458157, ClinGen allele CA337955307.